The following is an entry in ClinVar:

ClinVar aggregate classification (germline): Likely benign (1 of 4 stars; one submission).

Conditions:
DIAPH3-related disorder. Also called: DIAPH3-related condition.

gnomAD v4.1: 4 of 1,613,766 alleles (0.00025%); highest among the groups gnomAD compares: Admixed American, 0.0067%; no homozygotes.

Submission:

PreventionGenetics, part of Exact Sciences
Classification: Likely benign for DIAPH3-related condition. Last evaluated: 2025-12-26. Review status: criteria provided, single submitter. Criteria: ACMG Guidelines, 2015. Collection method: clinical testing. Allele origin: germline.
Comment: This variant is classified as likely benign based on ACMG/AMP sequence variant interpretation guidelines (Richards et al. 2015 PMID: 25741868, with internal and published modifications).

NM_001042517.2(DIAPH3):c.2736A>G (p.Lys912=)

Gene: DIAPH3 (diaphanous related formin 3; minus strand). Cytogenetic location: 13q21.2.
Variant type: single nucleotide variant.
Coding change: c.2736A>G on transcript NM_001042517.2 (MANE Select); coding-DNA position 2736, A replaced by G.
Protein change: p.Lys912=; no amino-acid change (lysine 912 retained).
Molecular consequence: synonymous variant.
Genome position (GRCh38, 1-based): chr13:59,861,408, T>C on the plus strand (A>G on the coding strand, the complement: DIAPH3 is on the minus strand). VCF-style: chr13-59861408-T-C. GRCh37 (hg19) VCF-style: chr13-60435542-T-C.
Other names: c.2703A>G, p.Lys901= (NM_001258366.2); c.2598A>G, p.Lys866= (NM_001258367.2); c.2526A>G, p.Lys842= (NM_001258368.2); c.2736A>G, p.Lys912= (NM_001258369.2); c.1947A>G, p.Lys649= (NM_001258370.2, NM_030932.4).
Identifiers: ClinVar variation 4980608 (VCV004980608.1).